The following is an entry in ClinVar:

ClinVar aggregate classification (germline): Uncertain significance (1 of 4 stars; one submission).

Conditions:
Spastic paraplegia. Identifiers: MedGen C0037772, HP:0001258.

Submission:

Labcorp Genetics (formerly Invitae), Labcorp
Classification: Uncertain significance for Spastic paraplegia. Last evaluated: 2019-03-15. Review status: criteria provided, single submitter. Criteria: Invitae Variant Classification Sherloc (09022015). Collection method: clinical testing. Allele origin: germline.
Comment: In summary, the available evidence is currently insufficient to determine the role of this variant in disease. Therefore, it has been classified as a Variant of Uncertain Significance. Nucleotide substitutions within the consensus splice site are a relatively common cause of aberrant splicing (PMID: 17576681, 9536098). Algorithms developed to predict the effect of sequence changes on RNA splicing suggest that this variant may disrupt the consensus splice site, but this prediction has not been confirmed by published transcriptional studies. This variant has not been reported in the literature in individuals with ZFYVE26-related conditions. This variant is not present in population databases (ExAC no frequency). This sequence change falls in intron 19 of the ZFYVE26 gene. It does not directly change the encoded amino acid sequence of the ZFYVE26 protein, but it affects a nucleotide within the consensus splice site of the intron.

Literature cited by the submitters: PubMed 17576681; PubMed 9536098.

NM_015346.4(ZFYVE26):c.3523+5del

Gene: ZFYVE26 (zinc finger FYVE-type containing 26; minus strand). Cytogenetic location: 14q24.1.
Variant type: Deletion.
Coding change: c.3523+5del on transcript NM_015346.4 (MANE Select); 5 bases into the intron after coding-DNA position 3523, one base deleted (G; older notation c.3523+5delG).
Molecular consequence: intron variant.
Genome position (GRCh38, 1-based): chr14:67,785,054, C deleted on the plus strand (G on the coding strand, the reverse complement: ZFYVE26 is on the minus strand); the first of 2 consecutive C bases (chr14:67,785,054-67,785,055); deleting either gives the same sequence. VCF-style (leftmost placement, unchanged base first): chr14-67785053-AC-A. GRCh37 (hg19) VCF-style: chr14-68251770-AC-A.
Identifiers: ClinVar variation 849847 (VCV000849847.8), dbSNP rs2039611492, ClinGen allele CA916083384.